The following is an entry in ClinVar:

ClinVar aggregate classification (germline): Uncertain significance. Review status: criteria provided, multiple submitters, no conflicts (2 of 4 stars). 2 submissions from 2 submitters: Uncertain significance (2). Last evaluated 2026-01-07.

Conditions:
Hereditary cancer-predisposing syndrome. Also called: Neoplastic Syndromes, Hereditary; Hereditary neoplastic syndrome; Hereditary Cancer Syndrome; Tumor predisposition. Identifiers: Orphanet 140162, MedGen C0027672, MeSH D009386, MONDO:0015356.
Tuberous sclerosis 2 (TSC2). Identifiers: Orphanet 805, MedGen C1860707, MONDO:0013199, OMIM 613254.

gnomAD v4.1: 1 of 1,612,994 alleles (0.000062%); no homozygotes.

Submissions (2):

Labcorp Genetics (formerly Invitae), Labcorp
Classification: Uncertain significance for Tuberous sclerosis 2. Last evaluated: 2026-01-07. Review status: criteria provided, single submitter. Criteria: Invitae Variant Classification Sherloc (09022015). Collection method: clinical testing. Allele origin: germline.
Comment: This sequence change replaces lysine, which is basic and polar, with glutamic acid, which is acidic and polar, at codon 1065 of the TSC2 protein (p.Lys1065Glu). This variant is not present in population databases (gnomAD no frequency). This missense change has been observed in individual(s) with seizures (PMID: 37329172). ClinVar contains an entry for this variant (Variation ID: 1398994). Invitae Evidence Modeling of protein sequence and biophysical properties (such as structural, functional, and spatial information, amino acid conservation, physicochemical variation, residue mobility, and thermodynamic stability) indicates that this missense variant is not expected to disrupt TSC2 protein function with a negative predictive value of 95%. In summary, the available evidence is currently insufficient to determine the role of this variant in disease. Therefore, it has been classified as a Variant of Uncertain Significance.

Ambry Genetics
Classification: Uncertain significance for Hereditary cancer-predisposing syndrome. Last evaluated: 2025-05-16. Review status: criteria provided, single submitter. Criteria: Ambry Variant Classification Scheme 2023. Collection method: clinical testing. Allele origin: germline.
Comment: The p.K1065E variant (also known as c.3193A>G), located in coding exon 27 of the TSC2 gene, results from an A to G substitution at nucleotide position 3193. The lysine at codon 1065 is replaced by glutamic acid, an amino acid with similar properties. This amino acid position is highly conserved in available vertebrate species. In addition, this alteration is predicted to be deleterious by in silico analysis. Based on the available evidence, the clinical significance of this variant remains unclear.

Literature cited by the submitters: PubMed 37329172 (cited by Labcorp Genetics (formerly Invitae), Labcorp).

NM_000548.5(TSC2):c.3193A>G (p.Lys1065Glu)

Gene: TSC2 (TSC complex subunit 2; plus strand). Cytogenetic location: 16p13.3.
Variant type: single nucleotide variant.
Coding change: c.3193A>G on transcript NM_000548.5 (MANE Select); coding-DNA position 3193, A replaced by G.
Protein change: p.Lys1065Glu; replaces lysine 1065 with glutamic acid.
Molecular consequence: missense variant.
Genome position (GRCh38, 1-based): chr16:2,079,337, A>G. VCF-style: chr16-2079337-A-G. GRCh37 (hg19) VCF-style: chr16-2129338-A-G.
Other names: c.3061A>G, p.Lys1021Glu (NM_001077183.3, NM_001370404.1); c.3193A>G, p.Lys1065Glu (NM_001114382.3); c.2953A>G, p.Lys985Glu (NM_001318827.2); c.2917A>G, p.Lys973Glu (NM_001318829.2); c.2461A>G, p.Lys821Glu (NM_001318831.2); c.3094A>G, p.Lys1032Glu (NM_001318832.2); c.3064A>G, p.Lys1022Glu (NM_001363528.2, NM_001370405.1, NM_021055.3); c.3193A>G (NM_000548.3); short protein forms K1032E, K1022E, K1065E, K985E, K1021E, K821E, K973E.
Identifiers: ClinVar variation 1398994 (VCV001398994.10), dbSNP rs751955670, ClinGen allele CA394285628.